The following is an entry in ClinVar:

ClinVar aggregate classification (germline): Likely benign. Review status: criteria provided, multiple submitters, no conflicts (2 of 4 stars). 3 submissions from 3 submitters: Likely benign (3). Last evaluated 2026-09-01.

Allele frequency attached by ClinVar (database versions not stated): TOPMed below 0.00001; gnomAD exomes 0.00003 and 0.00006; ExAC 0.00007; gnomAD 0.00007; 1000 Genomes Project 30x 0.00016; 1000 Genomes Project 0.00020.
gnomAD v4.1: 60 of 1,613,864 alleles (0.0037%); highest among the groups gnomAD compares: Admixed American, 0.0083%; no homozygotes.

Submissions (3):

CeGaT Center for Human Genetics Tuebingen
Classification: Likely benign. Last evaluated: 2026-09-01. Review status: criteria provided, single submitter. Criteria: CeGaT Center For Human Genetics Tuebingen Variant Classification Criteria Version 2. Collection method: clinical testing. Allele origin: germline. Affected: yes. Observed: 1 variant allele.
Comment: KIAA1549: BP4, BP7

Labcorp Genetics (formerly Invitae), Labcorp
Classification: Likely benign. Last evaluated: 2025-03-03. Review status: criteria provided, single submitter. Criteria: Invitae Variant Classification Sherloc (09022015). Collection method: clinical testing. Allele origin: germline.

Blueprint Genetics
Classification: Likely benign. Last evaluated: 2022-08-11. Review status: criteria provided, single submitter. Criteria: ACMG Guidelines, 2015. Collection method: clinical testing. Allele origin: germline.

NM_001164665.2(KIAA1549):c.4839C>T (p.Asp1613=)

Gene: KIAA1549 (KIAA1549; minus strand). Cytogenetic location: 7q34.
Variant type: single nucleotide variant.
Coding change: c.4839C>T on transcript NM_001164665.2 (MANE Select); coding-DNA position 4839, C replaced by T.
Protein change: p.Asp1613=; no amino-acid change (aspartic acid 1613 retained).
Molecular consequence: synonymous variant.
Genome position (GRCh38, 1-based): chr7:138,868,065, G>A on the plus strand (C>T on the coding strand, the complement: KIAA1549 is on the minus strand). VCF-style: chr7-138868065-G-A. GRCh37 (hg19) VCF-style: chr7-138552811-G-A.
Other names: c.4839C>T, p.Asp1613= (NM_020910.3).
Identifiers: ClinVar variation 748401 (VCV000748401.11), dbSNP rs558880858, ClinGen allele CA4505738.